The following is an entry in ClinVar:

NM_001625.4(AK2):c.419C>T (p.Thr140Ile)

Gene: AK2 (adenylate kinase 2; minus strand). Cytogenetic location: 1p35.1.
Variant type: single nucleotide variant.
Coding change: c.419C>T on transcript NM_001625.4 (MANE Select); coding-DNA position 419, C replaced by T.
Protein change: p.Thr140Ile; replaces threonine 140 with isoleucine.
Molecular consequence: missense variant. On other transcripts: intron variant (2).
Genome position (GRCh38, 1-based): chr1:33,021,373, G>A on the plus strand (C>T on the coding strand, the complement: AK2 is on the minus strand). VCF-style: chr1-33021373-G-A. GRCh37 (hg19) VCF-style: chr1-33486974-G-A.
Other names: c.275C>T, p.Thr92Ile (NM_001319139.3, NM_001319140.2); c.419C>T, p.Thr140Ile (NM_001319141.3, NM_013411.5); c.293C>T, p.Thr98Ile (NM_001319142.3); c.330+220C>T (NM_001319143.2); c.401+18C>T (NM_001199199.3); short protein forms T92I, T98I, T140I.
Identifiers: ClinVar variation 659858 (VCV000659858.6), dbSNP rs192209857, ClinGen allele CA747165.
Genomic context (GRCh38, chr1:33,021,373, plus strand): 5'-AGAGTTTGAGAAAGCTCTGAGAAGCATGAAAAGGGACCTTCAAGGGACAAATACCTTCCT[G>A]TGATTCTTCGGATCAGCAGAGAGTCTGGGATGCTGAATTCAATCACAGAATCAAGCTTCT-3'
Protein context (NP_001616.1, residues 130-150): IPDSLLIRRI[Thr140Ile]GRLIHPKSGR

ClinVar aggregate classification (germline): Uncertain significance (1 of 4 stars; one submission).

Conditions:
Reticular dysgenesis. Also called: DeVaal disease; ALEUKOCYTOSIS; CONGENITAL ALEUKIA; HEMATOPOIETIC HYPOPLASIA, GENERALIZED; RETICULAR DYSGENESIA; SEVERE COMBINED IMMUNODEFICIENCY WITH LEUKOPENIA. Identifiers: Orphanet 33355, MedGen C0272167, MONDO:0009973, OMIM 267500.

Allele frequency attached by ClinVar (database versions not stated): gnomAD 0.00001 and 0.00002; gnomAD exomes 0.00001; ExAC 0.00002; TOPMed 0.00002; 1000 Genomes Project 30x 0.00016; 1000 Genomes Project 0.00020.
gnomAD v4.1: 18 of 1,613,742 alleles (0.0011%); highest among the groups gnomAD compares: African/African-American, 0.02%; no homozygotes.

Submission:

Labcorp Genetics (formerly Invitae), Labcorp
Classification: Uncertain significance for Reticular dysgenesis. Last evaluated: 2022-07-05. Review status: criteria provided, single submitter. Criteria: Invitae Variant Classification Sherloc (09022015). Collection method: clinical testing. Allele origin: germline.
Comment: This sequence change replaces threonine, which is neutral and polar, with isoleucine, which is neutral and non-polar, at codon 140 of the AK2 protein (p.Thr140Ile). This variant is present in population databases (rs192209857, gnomAD 0.007%). This variant has not been reported in the literature in individuals affected with AK2-related conditions. ClinVar contains an entry for this variant (Variation ID: 659858). Algorithms developed to predict the effect of missense changes on protein structure and function are either unavailable or do not agree on the potential impact of this missense change (SIFT: "Deleterious"; PolyPhen-2: "Possibly Damaging"; Align-GVGD: "Class C0"). In summary, the available evidence is currently insufficient to determine the role of this variant in disease. Therefore, it has been classified as a Variant of Uncertain Significance.